The following is an entry in ClinVar:

NM_182961.4(SYNE1):c.19470+5G>A

Gene: SYNE1 (spectrin repeat containing nuclear envelope protein 1; minus strand). Cytogenetic location: 6q25.2.
Variant type: single nucleotide variant.
Coding change: c.19470+5G>A on transcript NM_182961.4 (MANE Select); 5 bases into the intron after coding-DNA position 19470, G replaced by A.
Molecular consequence: intron variant.
Genome position (GRCh38, 1-based): chr6:152,254,875, C>T on the plus strand (G>A on the coding strand, the complement: SYNE1 is on the minus strand). VCF-style: chr6-152254875-C-T. GRCh37 (hg19) VCF-style: chr6-152576010-C-T.
Other names: c.19257+5G>A (NM_033071.3, NM_033071.5).
Identifiers: ClinVar variation 1035451 (VCV001035451.7), dbSNP rs775233950, ClinGen allele CA4054679.

ClinVar aggregate classification (germline): Uncertain significance. Review status: criteria provided, multiple submitters, no conflicts (2 of 4 stars). 3 submissions from 3 submitters: Uncertain significance (3). Last evaluated 2024-08-22.

Conditions:
Emery-Dreifuss muscular dystrophy 4, autosomal dominant (EDMD4). Also called: EMERY-DREIFUSS MUSCULAR DYSTROPHY 4 WITH VARIABLE FEATURES. Identifiers: Orphanet 261, MedGen C2751807, MONDO:0013071, OMIM 612998.
Autosomal recessive ataxia, Beauce type. Also called: Spinocerebellar ataxia, autosomal recessive 8; ATAXIA, RECESSIVE, OF BEAUCE; SYNE1 Deficiency; SYNE1-Related Autosomal Recessive Cerebellar Ataxia. Identifiers: Orphanet 88644, MedGen C1853116, MONDO:0012549, OMIM 610743.

Allele frequency attached by ClinVar (database versions not stated): gnomAD 0.00001 and 0.00005; TOPMed 0.00001; gnomAD exomes 0.00012 and 0.00018; ExAC 0.00021.
gnomAD v4.1: 178 of 1,612,200 alleles (0.011%); highest among the groups gnomAD compares: South Asian, 0.16%; 3 homozygotes.

Submissions (3):

Revvity Omics, Revvity
Classification: Uncertain significance. Last evaluated: 2024-08-22. Review status: criteria provided, single submitter. Criteria: ACMG Guidelines, 2015. Collection method: clinical testing. Allele origin: germline.

Labcorp Genetics (formerly Invitae), Labcorp
Classification: Uncertain significance for Emery-Dreifuss muscular dystrophy 4, autosomal dominant; Autosomal recessive ataxia, Beauce type. Last evaluated: 2022-10-24. Review status: criteria provided, single submitter. Criteria: Invitae Variant Classification Sherloc (09022015). Collection method: clinical testing. Allele origin: germline.
Comment: This sequence change falls in intron 103 of the SYNE1 gene. It does not directly change the encoded amino acid sequence of the SYNE1 protein. It affects a nucleotide within the consensus splice site. This variant is present in population databases (rs775233950, gnomAD 0.1%). This variant has not been reported in the literature in individuals affected with SYNE1-related conditions. ClinVar contains an entry for this variant (Variation ID: 1035451). Variants that disrupt the consensus splice site are a relatively common cause of aberrant splicing (PMID: 17576681, 9536098). Algorithms developed to predict the effect of sequence changes on RNA splicing suggest that this variant is not likely to affect RNA splicing. In summary, the available evidence is currently insufficient to determine the role of this variant in disease. Therefore, it has been classified as a Variant of Uncertain Significance.

Athena Diagnostics
Classification: Uncertain significance. Last evaluated: 2020-12-22. Review status: criteria provided, single submitter. Criteria: Athena Diagnostics criteria. Collection method: clinical testing. Allele origin: unknown.

Literature cited by the submitters: PubMed 17576681 (cited by Labcorp Genetics (formerly Invitae), Labcorp); PubMed 9536098 (cited by Labcorp Genetics (formerly Invitae), Labcorp).